The following is an entry in ClinVar:

ClinVar aggregate classification (germline): Uncertain significance (1 of 4 stars; one submission).

Conditions:
LEPR-related disorder. Also called: LEPR-related condition; LEPR-related disorders.

Submission:

PreventionGenetics, part of Exact Sciences
Classification: Uncertain significance for LEPR-related condition. Last evaluated: 2025-08-20. Review status: criteria provided, single submitter. Criteria: ACMG Guidelines, 2015. Collection method: clinical testing. Allele origin: germline.
Comment: The LEPR c.1149_1151delTGT variant is predicted to result in an in-frame deletion (p.Val384del). To our knowledge, this variant has not been reported in the literature or in a large population database (gnomAD), indicating this variant is rare. At this time, the clinical significance of this variant is uncertain due to the absence of conclusive functional and genetic evidence.

NM_002303.6(LEPR):c.1146TGT[1] (p.Val384del)

Gene: LEPR (leptin receptor; plus strand). Cytogenetic location: 1p31.3.
Variant type: Microsatellite.
Coding change: c.1146TGT[1] on transcript NM_002303.6 (MANE Select); one copy of the 3-base unit TGT starting at c.1146; the reference has two copies in a row; one copy, 3 bases deleted.
Protein change: p.Val384del; deletes valine 384.
Molecular consequence: inframe deletion. On other transcripts: inframe indel (2).
Genome position (GRCh38, 1-based): chr1:65,601,546-65,601,548, TGT deleted; deleting any 3 consecutive bases within chr1:65,601,543-65,601,548 gives the same sequence; the position shown is the placement nearest the transcript's 3' end. VCF-style (leftmost placement, unchanged base first): chr1-65601542-ATGT-A. GRCh37 (hg19) VCF-style: chr1-66067225-ATGT-A.
Other names: c.1146TGT[1], p.Val384del (NM_001003679.3, NM_001003680.3, NM_001198687.2 and 2 more transcripts); c.1146_1148TGT[1], p.Val384del (NM_002303.5); c.1149_1151delTGT (NM_002303.5); short protein forms V384del.
Identifiers: ClinVar variation 4995647 (VCV004995647.1).